The following is an entry in ClinVar:

NM_198253.3(TERT):c.1821G>C (p.Arg607Ser)

Gene: TERT (telomerase reverse transcriptase; minus strand). Cytogenetic location: 5p15.33.
Variant type: single nucleotide variant.
Coding change: c.1821G>C on transcript NM_198253.3 (MANE Select); coding-DNA position 1821, G replaced by C.
Protein change: p.Arg607Ser; replaces arginine 607 with serine.
Molecular consequence: missense variant. On other transcripts: non-coding transcript variant (2).
Genome position (GRCh38, 1-based): chr5:1,280,287, C>G on the plus strand (G>C on the coding strand, the complement: TERT is on the minus strand). VCF-style: chr5-1280287-C-G. GRCh37 (hg19) VCF-style: chr5-1280402-C-G.
Other names: c.1821G>C, p.Arg607Ser (NM_001193376.3, NM_003219.1); short protein forms R607S.
Identifiers: ClinVar variation 2091777 (VCV002091777.4), dbSNP rs368309861, ClinGen allele CA359081935.

ClinVar aggregate classification (germline): Uncertain significance (1 of 4 stars; one submission).

Conditions:
Dyskeratosis congenita, autosomal dominant 2. Identifiers: MedGen C3151443, MONDO:0013521, OMIM 613989.
Idiopathic Pulmonary Fibrosis. Also called: idiopathic fibrosing alveolitis; Idiopathic fibrosing alveolitis, chronic form. Identifiers: Orphanet 2032, MedGen C1800706, MeSH D054990, MONDO:0800504.

Submission:

Labcorp Genetics (formerly Invitae), Labcorp
Classification: Uncertain significance for Dyskeratosis congenita, autosomal dominant 2; Idiopathic Pulmonary Fibrosis. Last evaluated: 2022-09-17. Review status: criteria provided, single submitter. Criteria: Invitae Variant Classification Sherloc (09022015). Collection method: clinical testing. Allele origin: germline.
Comment: In summary, the available evidence is currently insufficient to determine the role of this variant in disease. Therefore, it has been classified as a Variant of Uncertain Significance. Advanced modeling of protein sequence and biophysical properties (such as structural, functional, and spatial information, amino acid conservation, physicochemical variation, residue mobility, and thermodynamic stability) performed at Invitae indicates that this missense variant is expected to disrupt TERT protein function. This variant has not been reported in the literature in individuals affected with TERT-related conditions. This variant is not present in population databases (gnomAD no frequency). This sequence change replaces arginine, which is basic and polar, with serine, which is neutral and polar, at codon 607 of the TERT protein (p.Arg607Ser).